The following is an entry in ClinVar:

NM_005475.3(SH2B3):c.898G>T (p.Ala300Ser)

Gene: SH2B3 (SH2B adaptor protein 3; plus strand). Cytogenetic location: 12q24.12.
Variant type: single nucleotide variant.
Coding change: c.898G>T on transcript NM_005475.3 (MANE Select); coding-DNA position 898, G replaced by T.
Protein change: p.Ala300Ser; replaces alanine 300 with serine.
Molecular consequence: missense variant.
Genome position (GRCh38, 1-based): chr12:111,447,005, G>T. VCF-style: chr12-111447005-G-T. GRCh37 (hg19) VCF-style: chr12-111884809-G-T.
Other names: c.292G>T, p.Ala98Ser (NM_001291424.1); short protein forms A300S, A98S.
Identifiers: ClinVar variation 4163941 (VCV004163941.1).
Genomic context (GRCh38, chr12:111,447,005, plus strand): 5'-AAGGACCGGACAGACATCATCTTTGAGGTGGGAGACGAGCAGCAGCTGAATTCATGGATG[G>T]CTGAGCTCTCGGAGTGCACAGGCCGAGGGTGAGGTCCTGGGCCCTCGTCCCTGGCACCAC-3'
Protein context (NP_005466.1, residues 290-310): GDEQQLNSWM[Ala300Ser]ELSECTGRGL

ClinVar aggregate classification (germline): Uncertain significance (1 of 4 stars; one submission).

Conditions:
Inborn genetic diseases. Identifiers: MedGen C0950123, MeSH D030342.

Submission:

Ambry Genetics
Classification: Uncertain significance for Inborn genetic diseases. Last evaluated: 2025-07-12. Review status: criteria provided, single submitter. Criteria: Ambry Variant Classification Scheme 2023. Collection method: clinical testing. Allele origin: germline.
Comment: The p.A300S variant (also known as c.898G>T), located in coding exon 3 of the SH2B3 gene, results from a G to T substitution at nucleotide position 898. The alanine at codon 300 is replaced by serine, an amino acid with similar properties. This amino acid position is conserved. In addition, this alteration is predicted to be tolerated by in silico analysis. Based on the available evidence, the clinical significance of this variant remains unclear.